The following is an entry in ClinVar:

ClinVar aggregate classification (germline): Benign/Likely benign. Review status: criteria provided, multiple submitters, no conflicts (2 of 4 stars). 5 submissions from 5 submitters: Benign (2); Likely benign (3). Last evaluated 2025-08-15.

Conditions:
Spinocerebellar ataxia type 11 (SCA11). Identifiers: Orphanet 98767, MedGen C1858351, MONDO:0011464, OMIM 604432.

Allele frequency attached by ClinVar (database versions not stated): ExAC 0.00044; TOPMed 0.00046; gnomAD exomes 0.00057 and 0.00029; ESP Exome Variant Server 0.00058; gnomAD 0.00038 and 0.00039.
gnomAD v4.1: 531 of 1,613,950 alleles (0.033%); highest among the groups gnomAD compares: Admixed American, 0.012%; 2 homozygotes.

Submissions (5):

Labcorp Genetics (formerly Invitae), Labcorp
Classification: Benign. Last evaluated: 2025-08-15. Review status: criteria provided, single submitter. Criteria: Invitae Variant Classification Sherloc (09022015). Collection method: clinical testing. Allele origin: germline.

Blueprint Genetics
Classification: Likely benign. Last evaluated: 2024-09-05. Review status: criteria provided, single submitter. Criteria: ACMG Guidelines, 2015. Collection method: clinical testing. Allele origin: germline.

Athena Diagnostics
Classification: Benign. Last evaluated: 2018-04-27. Review status: criteria provided, single submitter. Criteria: Athena Diagnostics Criteria. Collection method: clinical testing. Allele origin: germline.

Illumina Laboratory Services, Illumina
Classification: Likely benign for Spinocerebellar ataxia type 11. Last evaluated: 2018-01-12. Review status: criteria provided, single submitter. Criteria: ICSL Variant Classification Criteria 13 December 2019. Collection method: clinical testing. Allele origin: germline.
Comment: This variant was observed in the ICSL laboratory as part of a predisposition screen in an ostensibly healthy population. It had not been previously curated by ICSL or reported in the Human Gene Mutation Database (HGMD: prior to June 1st, 2018), and was therefore a candidate for classification through an automated scoring system. Utilizing variant allele frequency, disease prevalence and penetrance estimates, and inheritance mode, an automated score was calculated to assess if this variant is too frequent to cause the disease. Based on the score and internal cut-off values, a variant classified as likely benign is not then subjected to further curation. The score for this variant resulted in a classification of likely benign for this disease.

Breakthrough Genomics
Classification: Likely benign. Review status: criteria provided, single submitter. Criteria: ACMG Guidelines, 2015. Collection method: not provided. Allele origin: germline. Inheritance: Autosomal dominant inheritance. Affected: yes.

NM_173500.4(TTBK2):c.3021A>G (p.Leu1007=)

Gene: TTBK2 (tau tubulin kinase 2; minus strand). Cytogenetic location: 15q15.2.
Variant type: single nucleotide variant.
Coding change: c.3021A>G on transcript NM_173500.4 (MANE Select); coding-DNA position 3021, A replaced by G.
Protein change: p.Leu1007=; no amino-acid change (leucine 1007 retained).
Molecular consequence: synonymous variant.
Genome position (GRCh38, 1-based): chr15:42,752,225, T>C on the plus strand (A>G on the coding strand, the complement: TTBK2 is on the minus strand). VCF-style: chr15-42752225-T-C. GRCh37 (hg19) VCF-style: chr15-43044423-T-C.
Identifiers: ClinVar variation 586781 (VCV000586781.15), dbSNP rs201662235, ClinGen allele CA7516653.
Genomic context (GRCh38, chr15:42,752,225, plus strand): 5'-TGTCAGTCTTGAAAAGGGAGTGAGCACTTCCTCCTCACAAAAGGGAGCAGGAACAGTAGC[T>C]AGTTTCTCCTCTAGCAATTTATCAGAGGCACTTGAGAGGTCGCCAAGGAAGGACTTGAAT-3'
Protein context (NP_775771.3, residues 997-1017): SASDKLLEEK[Leu1007=]ATVPAPFCEE